The following is an entry in ClinVar:

ClinVar aggregate classification (germline): Uncertain significance. Review status: criteria provided, multiple submitters, no conflicts (2 of 4 stars). 2 submissions from 2 submitters: Uncertain significance (2). Last evaluated 2026-07-07.

Conditions:
Familial adenomatous polyposis 1 (FAP1). Also called: FAMILIAL ADENOMATOUS POLYPOSIS 1, ATTENUATED; POLYPOSIS, ADENOMATOUS INTESTINAL. Identifiers: MedGen C2713442, MONDO:0021056, OMIM 175100. Disease mechanism: loss of function.
Hereditary cancer-predisposing syndrome. Also called: Neoplastic Syndromes, Hereditary; Hereditary Cancer Syndrome; Tumor predisposition; Hereditary neoplastic syndrome. Identifiers: Orphanet 140162, MedGen C0027672, MeSH D009386, MONDO:0015356.

Submissions (2):

Ambry Genetics
Classification: Uncertain significance for Hereditary cancer-predisposing syndrome. Last evaluated: 2026-07-07. Review status: criteria provided, single submitter. Criteria: Ambry Variant Classification Scheme 2023. Collection method: clinical testing. Allele origin: germline.
Comment: The p.S834T variant (also known as c.2500T>A), located in coding exon 15 of the APC gene, results from a T to A substitution at nucleotide position 2500. The serine at codon 834 is replaced by threonine, an amino acid with similar properties. This amino acid position is conserved. In addition, in silico predictors for this gene do not accurately predict pathogenicity. Based on the available evidence, the clinical significance of this variant remains unclear.

Labcorp Genetics (formerly Invitae), Labcorp
Classification: Uncertain significance for Familial adenomatous polyposis 1. Last evaluated: 2019-06-26. Review status: criteria provided, single submitter. Criteria: Invitae Variant Classification Sherloc (09022015). Collection method: clinical testing. Allele origin: germline.
Comment: This sequence change replaces serine with threonine at codon 834 of the APC protein (p.Ser834Thr). The serine residue is highly conserved and there is a small physicochemical difference between serine and threonine. This variant is not present in population databases (ExAC no frequency). This variant has not been reported in the literature in individuals with APC-related conditions. Algorithms developed to predict the effect of missense changes on protein structure and function are either unavailable or do not agree on the potential impact of this missense change (SIFT: "Deleterious"; PolyPhen-2: "Benign"; Align-GVGD: "Class C0"). In summary, the available evidence is currently insufficient to determine the role of this variant in disease. Therefore, it has been classified as a Variant of Uncertain Significance.

NM_000038.6(APC):c.2500T>A (p.Ser834Thr)

Gene: APC (APC regulator of Wnt signaling pathway; plus strand). Cytogenetic location: 5q22.2.
Variant type: single nucleotide variant.
Coding change: c.2500T>A on transcript NM_000038.6 (MANE Select); coding-DNA position 2500, T replaced by A.
Protein change: p.Ser834Thr; replaces serine 834 with threonine.
Molecular consequence: missense variant.
Genome position (GRCh38, 1-based): chr5:112,838,094, T>A. VCF-style: chr5-112838094-T-A. GRCh37 (hg19) VCF-style: chr5-112173791-T-A.
Other names: c.2500T>A, p.Ser834Thr (NM_001127510.3, NM_001354895.2); c.2446T>A, p.Ser816Thr (NM_001127511.3); c.2554T>A, p.Ser852Thr (NM_001354896.2); c.2530T>A, p.Ser844Thr (NM_001354897.2); c.2425T>A, p.Ser809Thr (NM_001354898.2); c.2416T>A, p.Ser806Thr (NM_001354899.2); c.2377T>A, p.Ser793Thr (NM_001354900.2); c.2323T>A, p.Ser775Thr (NM_001354901.2); and 5 more; short protein forms S551T, S743T, S793T, S809T, S844T, S852T, S674T, S708T.
Identifiers: ClinVar variation 945936 (VCV000945936.12), dbSNP rs786203408, ClinGen allele CA16026816.